The following is an entry in ClinVar:

NM_001042492.3(NF1):c.3497G>C (p.Gly1166Ala)

Gene: NF1 (neurofibromin 1; plus strand). Cytogenetic location: 17q11.2.
Variant type: single nucleotide variant.
Coding change: c.3497G>C on transcript NM_001042492.3 (MANE Select); coding-DNA position 3497, G replaced by C.
Protein change: p.Gly1166Ala; replaces glycine 1166 with alanine.
Molecular consequence: missense variant.
Genome position (GRCh38, 1-based): chr17:31,233,002, G>C. VCF-style: chr17-31233002-G-C. GRCh37 (hg19) VCF-style: chr17-29560020-G-C.
Other names: c.3497G>C, p.Gly1166Ala (NM_000267.4); short protein forms G1166A.
Identifiers: ClinVar variation 4013374 (VCV004013374.1).

ClinVar aggregate classification (germline): Uncertain significance (1 of 4 stars; one submission).

Conditions:
Cardiovascular phenotype. Identifiers: MedGen CN230736.
Hereditary cancer-predisposing syndrome. Also called: Tumor predisposition; Hereditary neoplastic syndrome; Neoplastic Syndromes, Hereditary; Hereditary Cancer Syndrome. Identifiers: Orphanet 140162, MedGen C0027672, MeSH D009386, MONDO:0015356.

Submission:

Ambry Genetics
Classification: Uncertain significance for Cardiovascular phenotype; Hereditary cancer-predisposing syndrome. Last evaluated: 2025-03-25. Review status: criteria provided, single submitter. Criteria: Ambry Variant Classification Scheme 2023. Collection method: clinical testing. Allele origin: germline.
Comment: The p.G1166A variant (also known as c.3497G>C), located in coding exon 27 of the NF1 gene, results from a G to C substitution at nucleotide position 3497. This variant impacts the first base pair of coding exon 27. The glycine at codon 1166 is replaced by alanine, an amino acid with similar properties. This amino acid position is highly conserved in available vertebrate species. In addition, the in silico prediction for this alteration is inconclusive. Based on the available evidence, the clinical significance of this variant remains unclear.